The following is an entry in ClinVar:

ClinVar aggregate classification (germline): Uncertain significance. Review status: criteria provided, multiple submitters, no conflicts (2 of 4 stars). 2 submissions from 2 submitters: Uncertain significance (2). Last evaluated 2025-10-24.

Conditions:
Cataract 33. Also called: CATARACT 33, CORTICAL. Identifiers: Orphanet 91492, MedGen C3808107, MONDO:0012665, OMIM 611391.
Inborn genetic diseases. Identifiers: MedGen C0950123, MeSH D030342.

Allele frequency attached by ClinVar (database versions not stated): gnomAD exomes 0.00001; ExAC 0.00002; TOPMed 0.00002; ESP Exome Variant Server 0.00008.
gnomAD v4.1: 14 of 1,614,150 alleles (0.00087%); highest among the groups gnomAD compares: South Asian, 0.0022%; no homozygotes.

Submissions (2):

Ambry Genetics
Classification: Uncertain significance for Inborn genetic diseases. Last evaluated: 2025-10-24. Review status: criteria provided, single submitter. Criteria: Ambry Variant Classification Scheme 2023. Collection method: clinical testing. Allele origin: germline.

Labcorp Genetics (formerly Invitae), Labcorp
Classification: Uncertain significance for Cataract 33. Last evaluated: 2023-06-30. Review status: criteria provided, single submitter. Criteria: Invitae Variant Classification Sherloc (09022015). Collection method: clinical testing. Allele origin: germline.
Comment: This sequence change replaces arginine, which is basic and polar, with cysteine, which is neutral and slightly polar, at codon 560 of the BFSP1 protein (p.Arg560Cys). This variant is present in population databases (rs147422987, gnomAD 0.01%). This variant has not been reported in the literature in individuals affected with BFSP1-related conditions. Advanced modeling of protein sequence and biophysical properties (such as structural, functional, and spatial information, amino acid conservation, physicochemical variation, residue mobility, and thermodynamic stability) performed at Invitae indicates that this missense variant is not expected to disrupt BFSP1 protein function. In summary, the available evidence is currently insufficient to determine the role of this variant in disease. Therefore, it has been classified as a Variant of Uncertain Significance.

NM_001195.5(BFSP1):c.1678C>T (p.Arg560Cys)

Gene: BFSP1 (beaded filament structural protein 1; minus strand). Cytogenetic location: 20p12.1.
Variant type: single nucleotide variant.
Coding change: c.1678C>T on transcript NM_001195.5 (MANE Select); coding-DNA position 1678, C replaced by T.
Protein change: p.Arg560Cys; replaces arginine 560 with cysteine.
Molecular consequence: missense variant.
Genome position (GRCh38, 1-based): chr20:17,494,394, G>A on the plus strand (C>T on the coding strand, the complement: BFSP1 is on the minus strand). VCF-style: chr20-17494394-G-A. GRCh37 (hg19) VCF-style: chr20-17475039-G-A.
Other names: c.1303C>T, p.Arg435Cys (NM_001161705.2); c.1261C>T, p.Arg421Cys (NM_001278606.2, NM_001278608.2); c.1345C>T, p.Arg449Cys (NM_001278607.2); c.1570C>T, p.Arg524Cys (NM_001424338.1); c.1678C>T (NM_001195.3); short protein forms R524C, R560C, R421C, R435C, R449C.
Identifiers: ClinVar variation 2908735 (VCV002908735.4), dbSNP rs147422987, ClinGen allele CA9772015.